The following is an entry in ClinVar:

ClinVar aggregate classification (germline): Likely pathogenic (1 of 4 stars; one submission).

Conditions:
Nemaline myopathy 2 (NEM2). Also called: Nemaline myopathy 2, autosomal recessive. Identifiers: MedGen C1850569, MONDO:0009725, OMIM 256030.

Submission:

Natera, Inc.
Classification: Likely pathogenic for Nemaline myopathy type 2. Last evaluated: 2025-01-21. Review status: criteria provided, single submitter. Criteria: Natera Variant Classification Schema (03/2026). Collection method: clinical testing. Allele origin: germline.
Comment: The c.4343del variant in NEB is a frameshift variant predicted to shift the reading frame beginning at codon 1448 and leads to a stop codon 20 codons downstream. This variant is expected to result in nonsense mediated decay, truncation, or a dysfunctional protein product. This variant is rare in the general population with a frequency below the threshold expected for the associated phenotype(s). Given the available evidence, this variant is classified as Likely Pathogenic.

NM_001164508.2(NEB):c.4343del (p.Gly1448fs)

Gene: NEB (nebulin; minus strand). Cytogenetic location: 2q23.3.
Variant type: Deletion.
Coding change: c.4343del on transcript NM_001164508.2 (MANE Select); coding-DNA position 4343, one base deleted (G; older notation c.4343delG).
Protein change: p.Gly1448fs; shifts the reading frame from glycine 1448.
Molecular consequence: frameshift variant.
Genome position (GRCh38, 1-based): chr2:151,671,186, C deleted on the plus strand (G on the coding strand, the reverse complement: NEB is on the minus strand); the first of 2 consecutive C bases (chr2:151,671,186-151,671,187); deleting either gives the same sequence. VCF-style (leftmost placement, unchanged base first): chr2-151671185-TC-T. GRCh37 (hg19) VCF-style: chr2-152527699-TC-T.
Other names: c.4343del, p.Gly1448fs (NM_004543.5, NM_001164507.2, NM_001271208.2); c.4342delG, p.Gly1448Aspfs (NM_001271208.1); short protein forms G1448fs.
Identifiers: ClinVar variation 4058840 (VCV004058840.2).